The following is an entry in ClinVar:

NM_020232.5(PSMG2):c.229G>T (p.Val77Leu)

Gene: PSMG2 (proteasome assembly chaperone 2; plus strand). Cytogenetic location: 18p11.21.
Variant type: single nucleotide variant.
Coding change: c.229G>T on transcript NM_020232.5 (MANE Select); coding-DNA position 229, G replaced by T.
Protein change: p.Val77Leu; replaces valine 77 with leucine.
Molecular consequence: missense variant.
Genome position (GRCh38, 1-based): chr18:12,706,721, G>T. VCF-style: chr18-12706721-G-T. GRCh37 (hg19) VCF-style: chr18-12706720-G-T.
Other names: c.136G>T, p.Val46Leu (NM_147163.2); short protein forms V46L, V77L.
Identifiers: ClinVar variation 3613022 (VCV003613022.2).
Genomic context (GRCh38, chr18:12,706,721, plus strand): 5'-GGAAACAATCCATATGCGACCACAGAAGGAAATTCAACAGAACTTAGCATAAATGCTGAA[G>T]GTATGTAAGACTTTACCTTGTATTTTTCCACTACAAAGTAGAGTTGTTTTAAATTAGAAA-3'
Protein context (NP_064617.2, residues 67-87): NSTELSINAE[Val77Leu]YSLPSRKLVA

ClinVar aggregate classification (germline): Uncertain significance (1 of 4 stars; one submission).

gnomAD v4.1: 3 of 1,597,800 alleles (0.00019%); highest among the groups gnomAD compares: Non-Finnish European, 0.00026%; no homozygotes.

Submission:

Labcorp Genetics (formerly Invitae), Labcorp
Classification: Uncertain significance. Last evaluated: 2024-04-25. Review status: criteria provided, single submitter. Criteria: Invitae Variant Classification Sherloc (09022015). Collection method: clinical testing. Allele origin: germline.
Comment: This sequence change replaces valine, which is neutral and non-polar, with leucine, which is neutral and non-polar, at codon 77 of the PSMG2 protein (p.Val77Leu). This variant also falls at the last nucleotide of exon 2, which is part of the consensus splice site for this exon. This variant is present in population databases (no rsID available, gnomAD 0.0009%). This variant has not been reported in the literature in individuals affected with PSMG2-related conditions. An algorithm developed to predict the effect of missense changes on protein structure and function (PolyPhen-2) suggests that this variant is likely to be tolerated. Variants that disrupt the consensus splice site are a relatively common cause of aberrant splicing (PMID: 17576681, 9536098). In summary, the available evidence is currently insufficient to determine the role of this variant in disease. Therefore, it has been classified as a Variant of Uncertain Significance.

Literature cited by the submitters: PubMed 17576681; PubMed 9536098.